The following is an entry in ClinVar:

ClinVar aggregate classification (germline): Uncertain significance (1 of 4 stars; one submission).

Conditions:
Alpha-N-acetylgalactosaminidase deficiency type 1. Also called: NAGA DEFICIENCY, TYPE I; NEUROAXONAL DYSTROPHY, SCHINDLER TYPE; SCHINDLER DISEASE, TYPE I; ALPHA-N-ACETYLGALACTOSAMINIDASE DEFICIENCY, TYPE I. Identifiers: Orphanet 3137, Orphanet 79279, Orphanet 79281, MedGen C1836544, MONDO:0012221, OMIM 609241.

Allele frequency attached by ClinVar (database versions not stated): gnomAD 0.00001; TOPMed 0.00002; gnomAD exomes 0.00003 and 0.00004; ExAC 0.00009.
gnomAD v4.1: 44 of 1,606,732 alleles (0.0027%); highest among the groups gnomAD compares: South Asian, 0.019%; 1 homozygote.

Submission:

Labcorp Genetics (formerly Invitae), Labcorp
Classification: Uncertain significance for Alpha-N-acetylgalactosaminidase deficiency type 1. Last evaluated: 2021-09-01. Review status: criteria provided, single submitter. Criteria: Invitae Variant Classification Sherloc (09022015). Collection method: clinical testing. Allele origin: germline.
Comment: This sequence change replaces arginine with histidine at codon 181 of the NAGA protein (p.Arg181His). The arginine residue is highly conserved and there is a small physicochemical difference between arginine and histidine. This variant is present in population databases (rs777425990, ExAC 0.04%). This variant has not been reported in the literature in individuals affected with NAGA-related conditions. Algorithms developed to predict the effect of missense changes on protein structure and function output the following: SIFT: "Deleterious"; PolyPhen-2: "Benign"; Align-GVGD: "Class C25". The histidine amino acid residue is found in multiple mammalian species, which suggests that this missense change does not adversely affect protein function. In summary, the available evidence is currently insufficient to determine the role of this variant in disease. Therefore, it has been classified as a Variant of Uncertain Significance.

NM_000262.3(NAGA):c.542G>A (p.Arg181His)

Genes: NAGA (alpha-N-acetylgalactosaminidase; minus strand), LOC126863160 (CDK7 strongly-dependent group 2 enhancer GRCh37_chr22:42462918-42464117; plus strand). Cytogenetic location: 22q13.2.
Variant type: single nucleotide variant.
Coding change: c.542G>A on transcript NM_000262.3 (MANE Select); coding-DNA position 542, G replaced by A.
Protein change: p.Arg181His; replaces arginine 181 with histidine.
Molecular consequence: missense variant.
Genome position (GRCh38, 1-based): chr22:42,066,765, C>T on the plus strand (G>A on the coding strand, the complement: NAGA is on the minus strand). VCF-style: chr22-42066765-C-T. GRCh37 (hg19) VCF-style: chr22-42462769-C-T.
Other names: c.542G>A, p.Arg181His (NM_001362848.1, NM_001362850.1); short protein forms R181H.
Identifiers: ClinVar variation 1480053 (VCV001480053.5), dbSNP rs777425990, ClinGen allele CA10263776.